The following is an entry in ClinVar:

ClinVar aggregate classification (germline): Uncertain significance (1 of 4 stars; one submission).

Conditions:
Delpire-McNeill syndrome. Also called: SLC12A2-related autosomal dominant infantile-developmental delay-intellectual disability-sensorineural deafness syndrome. Identifiers: Orphanet 633024, MedGen C5436771, MONDO:0033667, OMIM 619083.

Submission:

Institute of Human Genetics, University of Leipzig Medical Center
Classification: Uncertain significance for Delpire-McNeill syndrome. Last evaluated: 2026-05-18. Review status: criteria provided, single submitter. Criteria: ACMG Guidelines, 2015. Collection method: clinical testing. Allele origin: de novo. Inheritance: Autosomal dominant inheritance. Affected: yes.
Comment: Criteria applied: PM2,PP3,PS2_MOD

NM_001046.3(SLC12A2):c.1156G>A (p.Gly386Arg)

Gene: SLC12A2 (solute carrier family 12 member 2; plus strand). Cytogenetic location: 5q23.3.
Variant type: single nucleotide variant.
Coding change: c.1156G>A on transcript NM_001046.3 (MANE Select); coding-DNA position 1156, G replaced by A.
Protein change: p.Gly386Arg; replaces glycine 386 with arginine.
Molecular consequence: missense variant. On other transcripts: non-coding transcript variant (1).
Genome position (GRCh38, 1-based): chr5:128,131,174, G>A. VCF-style: chr5-128131174-G-A. GRCh37 (hg19) VCF-style: chr5-127466866-G-A.
Other names: c.1156G>A, p.Gly386Arg (NM_001256461.2); short protein forms G386R.
Identifiers: ClinVar variation 4857416 (VCV004857416.1).